The following is an entry in ClinVar:

NM_004991.4(MECOM):c.2591A>T (p.Asp864Val)

Gene: MECOM (MDS1 and EVI1 complex locus; minus strand). Cytogenetic location: 3q26.2.
Variant type: single nucleotide variant.
Coding change: c.2591A>T on transcript NM_004991.4 (MANE Select); coding-DNA position 2591, A replaced by T.
Protein change: p.Asp864Val; replaces aspartic acid 864 with valine.
Molecular consequence: missense variant. On other transcripts: intron variant (8).
Genome position (GRCh38, 1-based): chr3:169,107,939, T>A on the plus strand (A>T on the coding strand, the complement: MECOM is on the minus strand). VCF-style: chr3-169107939-T-A. GRCh37 (hg19) VCF-style: chr3-168825727-T-A.
Other names: c.2222A>T, p.Asp741Val (NM_001105077.4); c.2027A>T, p.Asp676Val (NM_001105078.4, NM_001205194.2, NM_001366469.2 and 1 more transcripts); c.2030A>T, p.Asp677Val (NM_001366467.2, NM_001366468.2); c.1605+4848A>T (NM_001366473.2); c.2577+4848A>T (NM_001366466.2); c.1041+4848A>T (NM_001366474.2); c.2013+4848A>T (NM_001164000.2, NM_001366471.2, NM_001366472.2); c.2016+4848A>T (NM_001366470.2, NM_001163999.2); short protein forms D677V, D741V, D676V, D864V.
Identifiers: ClinVar variation 3871814 (VCV003871814.1).
Genomic context (GRCh38, chr3:169,107,939, plus strand): 5'-TTTTAATGCTACATCACTTTAGTCAAAAATATAAGTAGGAAACTTACCCAAGTTCTCTGA[T>A]CAGGCAGTTGGAACTGGGAGCAAAATTGAAACAAAAACAAAAAATTACTTCTGTGTTGGT-3'
Protein context (NP_004982.2, residues 854-874): FLFHPQFQLP[Asp864Val]QRTWMSAIEN

ClinVar aggregate classification (germline): Uncertain significance (1 of 4 stars; one submission).

Conditions:
Inborn genetic diseases. Identifiers: MedGen C0950123, MeSH D030342.

gnomAD v4.1: 3 of 1,612,884 alleles (0.00019%); highest among the groups gnomAD compares: Non-Finnish European, 0.00025%; no homozygotes.

Submission:

Ambry Genetics
Classification: Uncertain significance for Inborn genetic diseases. Last evaluated: 2025-02-08. Review status: criteria provided, single submitter. Criteria: Ambry Variant Classification Scheme 2023. Collection method: clinical testing. Allele origin: germline.
Comment: The p.D864V variant (also known as c.2591A>T), located in coding exon 10 of the MECOM gene, results from an A to T substitution at nucleotide position 2591. The aspartic acid at codon 864 is replaced by valine, an amino acid with highly dissimilar properties. This amino acid position is conserved. In addition, the in silico prediction for this alteration is inconclusive. Based on the available evidence, the clinical significance of this variant remains unclear.